The following is an entry in ClinVar:

NM_017849.4(TMEM127):c.*1772G>A

Gene: TMEM127 (transmembrane protein 127; minus strand). Cytogenetic location: 2q11.2.
Variant type: single nucleotide variant.
Coding change: c.*1772G>A on transcript NM_017849.4 (MANE Select); 1772 bases downstream of the stop codon, G replaced by A.
Molecular consequence: 3 prime UTR variant.
Genome position (GRCh38, 1-based): chr2:96,252,036, C>T on the plus strand (G>A on the coding strand, the complement: TMEM127 is on the minus strand). VCF-style: chr2-96252036-C-T. GRCh37 (hg19) VCF-style: chr2-96917774-C-T.
Other names: c.*1772G>A (NM_001193304.3).
Identifiers: ClinVar variation 337478 (VCV000337478.6), dbSNP rs537225254, ClinGen allele CA10614640.

ClinVar aggregate classification (germline): Benign. Review status: criteria provided, multiple submitters, no conflicts (2 of 4 stars). 2 submissions from 2 submitters: Benign (2). Last evaluated 2018-01-13.

Conditions:
Pheochromocytoma. Also called: MAX-Related Hereditary Paraganglioma-Pheochromocytoma Syndrome. Identifiers: Orphanet 29072, MedGen C0031511, MONDO:0008233, OMIM 171300, HP:0002666.

Allele frequency attached by ClinVar (database versions not stated): 1000 Genomes Project 30x 0.00062; 1000 Genomes Project 0.00100; TOPMed 0.00123.
gnomAD v4.1: 345 of 233,526 alleles (0.15%); highest among the groups gnomAD compares: Middle Eastern, 0.51%; 1 homozygote.

Submissions (2):

Illumina Laboratory Services, Illumina
Classification: Benign for Pheochromocytoma. Last evaluated: 2018-01-13. Review status: criteria provided, single submitter. Criteria: ICSL Variant Classification Criteria 13 December 2019. Collection method: clinical testing. Allele origin: germline.
Comment: This variant was observed in the ICSL laboratory as part of a predisposition screen in an ostensibly healthy population. It had not been previously curated by ICSL or reported in the Human Gene Mutation Database (HGMD: prior to June 1st, 2018), and was therefore a candidate for classification through an automated scoring system. Utilizing variant allele frequency, disease prevalence and penetrance estimates, and inheritance mode, an automated score was calculated to assess if this variant is too frequent to cause the disease. Based on the score and internal cut-off values, a variant classified as benign is not then subjected to further curation. The score for this variant resulted in a classification of benign for this disease.

Breakthrough Genomics
Classification: Benign. Review status: criteria provided, single submitter. Criteria: ACMG Guidelines, 2015. Collection method: not provided. Allele origin: germline. Inheritance: Autosomal dominant inheritance. Affected: yes.